The following is an entry in ClinVar:

ClinVar aggregate classification (germline): Likely benign. Review status: criteria provided, multiple submitters, no conflicts (2 of 4 stars). 4 submissions from 4 submitters: Likely benign (4). Last evaluated 2025-12-16.

Conditions:
Cardiomyopathy (CMYO). Also called: Cardiomyopathies. Identifiers: Orphanet 167848, MedGen C0878544, MONDO:0004994, HP:0001638. Inheritance: Various modes of inheritance.
Cardiovascular phenotype. Identifiers: MedGen CN230736.
Hypertrophic cardiomyopathy 10. Also called: CARDIOMYOPATHY, HYPERTROPHIC, MID-LEFT VENTRICULAR CHAMBER TYPE, 2; MYL2-Related Familial Hypertrophic Cardiomyopathy. Identifiers: MedGen C1834460, MONDO:0012112, OMIM 608758.
Hypertrophic cardiomyopathy. Also called: HYPERTROPHIC MYOCARDIOPATHY. Identifiers: Orphanet 217569, MedGen C0007194, MeSH D002312, MONDO:0005045, HP:0001639.

Allele frequency attached by ClinVar (database versions not stated): gnomAD 0.00003; TOPMed 0.00003; ExAC 0.00004; gnomAD exomes 0.00004; 1000 Genomes Project 30x 0.00016; 1000 Genomes Project 0.00020.
gnomAD v4.1: 46 of 1,613,862 alleles (0.0029%); highest among the groups gnomAD compares: South Asian, 0.0088%; no homozygotes.

Submissions (4):

Labcorp Genetics (formerly Invitae), Labcorp
Classification: Likely benign for Hypertrophic cardiomyopathy 10. Last evaluated: 2025-12-16. Review status: criteria provided, single submitter. Criteria: Invitae Variant Classification Sherloc (09022015). Collection method: clinical testing. Allele origin: germline.

All of Us Research Program, National Institutes of Health
Classification: Likely benign for Hypertrophic cardiomyopathy. Last evaluated: 2024-02-05. Review status: criteria provided, single submitter. Criteria: ACMG Guidelines, 2015. Collection method: clinical testing. Allele origin: germline. Inheritance: Autosomal dominant inheritance. Observed: 6 variant alleles, 6 heterozygotes.
Comment: This study involves interpretation of variants in research participants for the purpose of population health screening. Participant phenotype was not available at the time of variant classification. Additional details can be found in publication PMID: 35346344, PMCID: PMC8962531

Ambry Genetics
Classification: Likely benign for Cardiovascular phenotype. Last evaluated: 2021-04-20. Review status: criteria provided, single submitter. Criteria: Ambry Variant Classification Scheme 2023. Collection method: clinical testing. Allele origin: germline.

Color Diagnostics, LLC DBA Color Health
Classification: Likely benign for Cardiomyopathy. Last evaluated: 2021-03-09. Review status: criteria provided, single submitter. Criteria: ACMG Guidelines, 2015. Collection method: clinical testing. Allele origin: germline.

NM_000432.4(MYL2):c.48C>T (p.Asn16=)

Genes: MYL2 (myosin light chain 2; minus strand), LOC114827850 (VISTA enhancer hs2149; plus strand). Cytogenetic location: 12q24.11.
Variant type: single nucleotide variant.
Coding change: c.48C>T on transcript NM_000432.4 (MANE Select); coding-DNA position 48, C replaced by T.
Protein change: p.Asn16=; no amino-acid change (asparagine 16 retained).
Molecular consequence: synonymous variant.
Genome position (GRCh38, 1-based): chr12:110,919,149, G>A on the plus strand (C>T on the coding strand, the complement: MYL2 is on the minus strand). VCF-style: chr12-110919149-G-A. GRCh37 (hg19) VCF-style: chr12-111356953-G-A.
Identifiers: ClinVar variation 1118003 (VCV001118003.14), dbSNP rs552004172, ClinGen allele CA6788124.